The following is an entry in ClinVar:

NM_004304.5(ALK):c.409C>G (p.Arg137Gly)

Gene: ALK (ALK receptor tyrosine kinase; minus strand). Cytogenetic location: 2p23.1.
Variant type: single nucleotide variant.
Coding change: c.409C>G on transcript NM_004304.5 (MANE Select); coding-DNA position 409, C replaced by G.
Protein change: p.Arg137Gly; replaces arginine 137 with glycine.
Molecular consequence: missense variant.
Genome position (GRCh38, 1-based): chr2:29,920,251, G>C on the plus strand (C>G on the coding strand, the complement: ALK is on the minus strand). VCF-style: chr2-29920251-G-C. GRCh37 (hg19) VCF-style: chr2-30143117-G-C.
Other names: short protein forms R137G.
Identifiers: ClinVar variation 538185 (VCV000538185.9), dbSNP rs757382067, ClinGen allele CA346590105.
Genomic context (GRCh38, chr2:29,920,251, plus strand): 5'-GCCCGACGCAACCCTCCAAGATCGCCTCCTCGCCCAGCTCCAGCACCAACTGCTTGGCAC[G>C]CCGGAGCTTGCGCACGGAGCCGCCCTTCAGCACCCTGGACAGCGTCCGGGCCTCTGCCGG-3'
Protein context (NP_004295.2, residues 127-147): LKGGSVRKLR[Arg137Gly]AKQLVLELGE

ClinVar aggregate classification (germline): Conflicting classifications of pathogenicity. Review status: criteria provided, conflicting classifications (1 of 4 stars). 2 submissions from 2 submitters: Uncertain significance (1); Likely benign (1). Last evaluated 2025-11-17.

Conditions:
Hereditary cancer-predisposing syndrome. Also called: Neoplastic Syndromes, Hereditary; Tumor predisposition; Hereditary Cancer Syndrome; Hereditary neoplastic syndrome. Identifiers: Orphanet 140162, MedGen C0027672, MeSH D009386, MONDO:0015356.
Neuroblastoma, susceptibility to, 3. Also called: ALK-Related Neuroblastic Tumor Susceptibility. Identifiers: Orphanet 635, MedGen C2751681, MONDO:0013083, OMIM 613014.

Allele frequency attached by ClinVar (database versions not stated): TOPMed 0.00001.
gnomAD v4.1: 5 of 1,606,566 alleles (0.00031%); highest among the groups gnomAD compares: East Asian, 0.011%; no homozygotes.

Submissions (2):

Labcorp Genetics (formerly Invitae), Labcorp
Classification: Uncertain significance for Neuroblastoma, susceptibility to, 3. Last evaluated: 2025-11-17. Review status: criteria provided, single submitter. Criteria: Invitae Variant Classification Sherloc (09022015). Collection method: clinical testing. Allele origin: germline.
Comment: This sequence change replaces arginine, which is basic and polar, with glycine, which is neutral and non-polar, at codon 137 of the ALK protein (p.Arg137Gly). This variant is present in population databases (no rsID available, gnomAD 0.02%). This variant has not been reported in the literature in individuals affected with ALK-related conditions. ClinVar contains an entry for this variant (Variation ID: 538185). An algorithm developed to predict the effect of missense changes on protein structure and function (PolyPhen-2) suggests that this variant is likely to be disruptive. In summary, the available evidence is currently insufficient to determine the role of this variant in disease. Therefore, it has been classified as a Variant of Uncertain Significance.

Ambry Genetics
Classification: Likely benign for Hereditary cancer-predisposing syndrome. Last evaluated: 2024-06-26. Review status: criteria provided, single submitter. Criteria: Ambry Variant Classification Scheme 2023. Collection method: clinical testing. Allele origin: germline.